The following is an entry in ClinVar:

ClinVar aggregate classification (germline): Uncertain significance (1 of 4 stars; one submission).

Conditions:
Asphyxiating thoracic dystrophy 5 (SRTD5). Also called: SHORT-RIB THORACIC DYSPLASIA 5 WITH OR WITHOUT POLYDACTYLY; SHORT-RIB THORACIC DYSPLASIA 5 WITHOUT POLYDACTYLY. Identifiers: Orphanet 474, MedGen C3280598, MONDO:0013717, OMIM 614376.
Senior-Loken syndrome 8 (SLSN8). Identifiers: Orphanet 3156, MedGen C4225376, MONDO:0014579, OMIM 616307.

Submission:

Labcorp Genetics (formerly Invitae), Labcorp
Classification: Uncertain significance for Senior-Loken syndrome 8; Asphyxiating thoracic dystrophy 5. Last evaluated: 2021-12-09. Review status: criteria provided, single submitter. Criteria: Invitae Variant Classification Sherloc (09022015). Collection method: clinical testing. Allele origin: germline.
Comment: This variant has not been reported in the literature in individuals affected with WDR19-related conditions. Algorithms developed to predict the effect of missense changes on protein structure and function (SIFT, PolyPhen-2, Align-GVGD) all suggest that this variant is likely to be disruptive. In summary, the available evidence is currently insufficient to determine the role of this variant in disease. Therefore, it has been classified as a Variant of Uncertain Significance. This variant is not present in population databases (gnomAD no frequency). This sequence change replaces alanine, which is neutral and non-polar, with threonine, which is neutral and polar, at codon 1125 of the WDR19 protein (p.Ala1125Thr).

NM_025132.4(WDR19):c.3373G>A (p.Ala1125Thr)

Gene: WDR19 (WD repeat domain 19; plus strand). Cytogenetic location: 4p14.
Variant type: single nucleotide variant.
Coding change: c.3373G>A on transcript NM_025132.4 (MANE Select); coding-DNA position 3373, G replaced by A.
Protein change: p.Ala1125Thr; replaces alanine 1125 with threonine.
Molecular consequence: missense variant.
Genome position (GRCh38, 1-based): chr4:39,269,990, G>A. VCF-style: chr4-39269990-G-A. GRCh37 (hg19) VCF-style: chr4-39271610-G-A.
Other names: c.2893G>A, p.Ala965Thr (NM_001317924.2); short protein forms A1125T, A965T.
Identifiers: ClinVar variation 2038792 (VCV002038792.4), dbSNP rs2475386823, ClinGen allele CA356646107.
Genomic context (GRCh38, chr4:39,269,990, plus strand): 5'-AGATGTCACCCTTTGCAGTAATGTCGTTTTACCACCTTTTTTCAAGGCAACTACCGGAAT[G>A]CACACGATGTTCTCTTCAGTATGTATGCAGAACTGAAATCCCAGAAGATCAAAATTCCCT-3'
Protein context (NP_079408.3, residues 1115-1135): EEQSAGNYRN[Ala1125Thr]HDVLFSMYAE